The following is an entry in ClinVar:

NM_000135.4(FANCA):c.793-11T>C

Gene: FANCA (FA complementation group A; minus strand). Cytogenetic location: 16q24.3.
Variant type: single nucleotide variant.
Coding change: c.793-11T>C on transcript NM_000135.4 (MANE Select); 11 bases into the intron before coding-DNA position 793, T replaced by C.
Molecular consequence: intron variant.
Genome position (GRCh38, 1-based): chr16:89,799,649, A>G on the plus strand (T>C on the coding strand, the complement: FANCA is on the minus strand). VCF-style: chr16-89799649-A-G. GRCh37 (hg19) VCF-style: chr16-89866057-A-G.
Other names: c.793-11T>C (NM_001286167.3, NM_001018112.3); c.697-11T>C (NM_001351830.2).
Identifiers: ClinVar variation 1591157 (VCV001591157.9), dbSNP rs1030329914, ClinGen allele CA286599878.
Genomic context (GRCh38, chr16:89,799,649, plus strand): 5'-AGTGCAATTAACTTACAAATCAGCATTCTCTGCAGTACATCAACCGTGACCTGTCAAAAT[A>G]GAATGTGAGTTACCATCTTGGTAATCTTCTGTAATTTGTGTGATACCTGCATCACACAAG-3'

ClinVar aggregate classification (germline): Conflicting classifications of pathogenicity. Review status: criteria provided, conflicting classifications (1 of 4 stars). 2 submissions from 2 submitters: Uncertain significance (1); Likely benign (1). Last evaluated 2024-08-21.

Conditions:
Fanconi anemia (FA). Also called: Fanconi's anemia. Identifiers: Orphanet 84, MedGen C0015625, MeSH D005199, MONDO:0019391.
Fanconi anemia complementation group A (FANCA). Also called: FANCA-Related Fanconi Anemia; Fanconi anemia, group A. Identifiers: Orphanet 84, MedGen C3469521, MONDO:0009215, OMIM 227650.

Allele frequency attached by ClinVar (database versions not stated): gnomAD 0.00001; TOPMed 0.00003.

Submissions (2):

St. Jude Molecular Pathology, St. Jude Children's Research Hospital
Classification: Uncertain significance for Fanconi anemia complementation group A. Last evaluated: 2024-08-21. Review status: criteria provided, single submitter. Criteria: St. Jude Assertion Criteria 2020. Collection method: clinical testing. Allele origin: germline.
Comment: The FANCA c.793-11T>C intronic change results in a T to C substitution at the -11 position of intron 8 of the FANCA gene. Algorithms that predict the impact of sequence changes on splicing are not conclusive as to whether this variant impacts splicing. This variant is absent in gnomAD v2.1.1. To our knowledge, this variant has not been reported in individuals with Fanconi anemia. In summary, the evidence currently available is insufficient to determine the clinical significance of this variant. It has therefore been classified as of uncertain significance.

Labcorp Genetics (formerly Invitae), Labcorp
Classification: Likely benign for Fanconi anemia. Last evaluated: 2024-01-15. Review status: criteria provided, single submitter. Criteria: Invitae Variant Classification Sherloc (09022015). Collection method: clinical testing. Allele origin: germline.